The following is an entry in ClinVar:

ClinVar aggregate classification (germline): Benign/Likely benign. Review status: criteria provided, multiple submitters, no conflicts (2 of 4 stars). 6 submissions from 3 submitters: Benign (3); Likely benign (3). Last evaluated 2023-06-01.

Conditions:
Craniosynostosis syndrome. Also called: Craniosynostosis. Identifiers: Orphanet 1531, MedGen C0010278, MeSH D003398, MONDO:0015469, HP:0001363.
Trigonocephaly 1 (TRIGNO1). Identifiers: Orphanet 3366, MedGen C0432122, MONDO:0008603, OMIM 190440.
Osteoglophonic dysplasia (OGD). Also called: Osteoglophonic dwarfism. Identifiers: Orphanet 2645, MedGen C0432283, MONDO:0008150, OMIM 166250.
Hypogonadotropic hypogonadism 2 with or without anosmia (HH2). Also called: HYPOGONADOTROPIC HYPOGONADISM 2 WITHOUT ANOSMIA; HYPOGONADOTROPIC HYPOGONADISM 2 WITH OR WITHOUT ANOSMIA, SUSCEPTIBILITY TO; HYPOGONADOTROPIC HYPOGONADISM 2 WITHOUT ANOSMIA, SUSCEPTIBILITY TO; FGFR1-Related GnRH Deficiency (Kallmann Syndrome 2). Identifiers: Orphanet 478, MedGen C1563720, MONDO:0007844, OMIM 147950. Disease mechanism: loss of function.

Allele frequency attached by ClinVar (database versions not stated): 1000 Genomes Project 0.00140; 1000 Genomes Project 30x 0.00187; TOPMed 0.00359; gnomAD 0.00388 and 0.00398; gnomAD exomes 0.00441.

Submissions (6):

CeGaT Center for Human Genetics Tuebingen
Classification: Likely benign. Last evaluated: 2023-06-01. Review status: criteria provided, single submitter. Criteria: CeGaT Center For Human Genetics Tuebingen Variant Classification Criteria Version 2. Collection method: clinical testing. Allele origin: germline. Affected: yes. Observed: 6 variant alleles.
Comment: FGFR1: BS1

Illumina Laboratory Services, Illumina
Classification: Likely benign for Hypogonadotropic hypogonadism 2 with or without anosmia. Last evaluated: 2018-01-13. Review status: criteria provided, single submitter. Criteria: ICSL Variant Classification Criteria 13 December 2019. Collection method: clinical testing. Allele origin: germline.
Comment: This variant was observed in the ICSL laboratory as part of a predisposition screen in an ostensibly healthy population. It had not been previously curated by ICSL or reported in the Human Gene Mutation Database (HGMD: prior to June 1st, 2018), and was therefore a candidate for classification through an automated scoring system. Utilizing variant allele frequency, disease prevalence and penetrance estimates, and inheritance mode, an automated score was calculated to assess if this variant is too frequent to cause the disease. Based on the score and internal cut-off values, a variant classified as likely benign is not then subjected to further curation. The score for this variant resulted in a classification of likely benign for this disease.

Illumina Laboratory Services, Illumina
Classification: Benign for Osteoglophonic dysplasia. Last evaluated: 2018-01-13. Review status: criteria provided, single submitter. Criteria: ICSL Variant Classification Criteria 13 December 2019. Collection method: clinical testing. Allele origin: germline.
Comment: This variant was observed in the ICSL laboratory as part of a predisposition screen in an ostensibly healthy population. It had not been previously curated by ICSL or reported in the Human Gene Mutation Database (HGMD: prior to June 1st, 2018), and was therefore a candidate for classification through an automated scoring system. Utilizing variant allele frequency, disease prevalence and penetrance estimates, and inheritance mode, an automated score was calculated to assess if this variant is too frequent to cause the disease. Based on the score and internal cut-off values, a variant classified as benign is not then subjected to further curation. The score for this variant resulted in a classification of benign for this disease.

Illumina Laboratory Services, Illumina
Classification: Benign for Trigonocephaly 1. Last evaluated: 2018-01-13. Review status: criteria provided, single submitter. Criteria: ICSL Variant Classification Criteria 13 December 2019. Collection method: clinical testing. Allele origin: germline.
Comment: the same text as in the submission from Illumina Laboratory Services, Illumina above.

Illumina Laboratory Services, Illumina
Classification: Benign for Craniosynostosis. Last evaluated: 2018-01-13. Review status: criteria provided, single submitter. Criteria: ICSL Variant Classification Criteria 13 December 2019. Collection method: clinical testing. Allele origin: germline.
Comment: the same text as in the submission from Illumina Laboratory Services, Illumina above.

Breakthrough Genomics
Classification: Likely benign. Review status: criteria provided, single submitter. Criteria: ACMG Guidelines, 2015. Collection method: not provided. Allele origin: germline. Inheritance: Autosomal dominant inheritance. Affected: yes.

NM_023110.3(FGFR1):c.-286C>T

Gene: FGFR1 (fibroblast growth factor receptor 1; minus strand). Cytogenetic location: 8p11.23.
Variant type: single nucleotide variant.
Coding change: c.-286C>T on transcript NM_023110.3 (MANE Select); 286 bases upstream of the start codon, C replaced by T.
Molecular consequence: 5 prime UTR variant.
Genome position (GRCh38, 1-based): chr8:38,468,178, G>A on the plus strand (C>T on the coding strand, the complement: FGFR1 is on the minus strand). VCF-style: chr8-38468178-G-A. GRCh37 (hg19) VCF-style: chr8-38325696-G-A.
Other names: c.-286C>T (NM_001174063.2, NM_001354367.2, NM_001354368.2 and 4 more transcripts); c.-378C>T (NM_001174064.2).
Identifiers: ClinVar variation 362914 (VCV000362914.33), dbSNP rs4647909, ClinGen allele CA10630982.